The following is an entry in ClinVar:

NM_005445.4(SMC3):c.198+3G>A

Gene: SMC3 (structural maintenance of chromosomes 3; plus strand). Cytogenetic location: 10q25.2.
Variant type: single nucleotide variant.
Coding change: c.198+3G>A on transcript NM_005445.4 (MANE Select); 3 bases into the intron after coding-DNA position 198, G replaced by A.
Molecular consequence: intron variant.
Genome position (GRCh38, 1-based): chr10:110,575,406, G>A. VCF-style: chr10-110575406-G-A. GRCh37 (hg19) VCF-style: chr10-112335164-G-A.
Identifiers: ClinVar variation 878402 (VCV000878402.9), dbSNP rs533706811, ClinGen allele CA5687647.

ClinVar aggregate classification (germline): Likely benign. Review status: criteria provided, multiple submitters, no conflicts (2 of 4 stars). 3 submissions from 3 submitters: Likely benign (2). 1 of the submissions does not count toward it. Last evaluated 2023-09-04.

Conditions:
SMC3-related disorder. Also called: SMC3-related condition.
Cornelia de Lange syndrome 3 (CDLS3). Also called: SMC3-Related Cornelia de Lange Syndrome; CORNELIA DE LANGE SYNDROME 3 WITH OR WITHOUT MIDLINE BRAIN DEFECTS. Identifiers: Orphanet 199, MedGen C1853099, MONDO:0012555, OMIM 610759.

Allele frequency attached by ClinVar (database versions not stated): gnomAD below 0.00001 and 0.00005; TOPMed below 0.00001; gnomAD exomes 0.00006 and 0.00011; ExAC 0.00010; 1000 Genomes Project 0.00080; 1000 Genomes Project 30x 0.00094.
gnomAD v4.1: 96 of 1,603,442 alleles (0.006%); highest among the groups gnomAD compares: South Asian, 0.1%; 2 homozygotes.

Submissions (3):

Labcorp Genetics (formerly Invitae), Labcorp
Classification: Likely benign for Cornelia de Lange syndrome 3. Last evaluated: 2023-09-04. Review status: criteria provided, single submitter. Criteria: Invitae Variant Classification Sherloc (09022015). Collection method: clinical testing. Allele origin: germline.

Illumina Laboratory Services, Illumina
Classification: Likely benign for Cornelia de Lange syndrome 3. Last evaluated: 2018-01-12. Review status: criteria provided, single submitter. Criteria: ICSL Variant Classification Criteria 13 December 2019. Collection method: clinical testing. Allele origin: germline.
Comment: This variant was observed in the ICSL laboratory as part of a predisposition screen in an ostensibly healthy population. It had not been previously curated by ICSL or reported in the Human Gene Mutation Database (HGMD: prior to June 1st, 2018), and was therefore a candidate for classification through an automated scoring system. Utilizing variant allele frequency, disease prevalence and penetrance estimates, and inheritance mode, an automated score was calculated to assess if this variant is too frequent to cause the disease. Based on the score and internal cut-off values, a variant classified as likely benign is not then subjected to further curation. The score for this variant resulted in a classification of likely benign for this disease.

PreventionGenetics, part of Exact Sciences
Classification: Likely benign for SMC3-related condition. Last evaluated: 2021-04-01. Review status: no assertion criteria provided. Collection method: clinical testing. Allele origin: germline. Not counted in ClinVar's aggregate classification.
Comment: This variant is classified as likely benign based on ACMG/AMP sequence variant interpretation guidelines (Richards et al. 2015 PMID: 25741868, with internal and published modifications).